The following is an entry in ClinVar:

NC_000014.9:g.(?_87965495)_(87968500_?)dup

Gene: GALC (galactosylceramidase; minus strand). Cytogenetic location: 14q31.3.
Variant type: Duplication.
Identifiers: ClinVar variation 833260 (VCV000833260.9).

ClinVar aggregate classification (germline): Likely pathogenic (1 of 4 stars; one submission).

Conditions:
Galactosylceramide beta-galactosidase deficiency. Also called: Leukodystrophy, Globoid Cell; GALACTOCEREBROSIDASE DEFICIENCY; GALC DEFICIENCY; GLOBOID CELL LEUKOENCEPHALOPATHY; Krabbe Disease. Identifiers: Orphanet 487, MedGen C0023521, MONDO:0009499, OMIM 245200.

Submission:

Labcorp Genetics (formerly Invitae), Labcorp
Classification: Likely pathogenic for Galactosylceramide beta-galactosidase deficiency. Last evaluated: 2019-08-25. Review status: criteria provided, single submitter. Criteria: Invitae Variant Classification Sherloc (09022015). Collection method: clinical testing. Allele origin: germline.
Comment: In summary, the currently available evidence indicates that the variant is pathogenic, but additional data are needed to prove that conclusively. Therefore, this variant has been classified as Likely Pathogenic. Loss-of-function variants in GALC are known to be pathogenic (PMID: 7437911, 9272171, 16607461). This variant has not been reported in the literature in individuals with GALC-related conditions. This variant results in a copy number gain of the genomic region encompassing exons 8-9 of the GALC gene. While the exact position of this variant cannot be determined from this data, sub-genic copy number gains are generally in tandem (PMID: 25640679) and may result in an absent or disrupted protein product.

Literature cited by the submitters: PubMed 7437911; PubMed 9272171; PubMed 16607461; PubMed 25640679.